The following is an entry in ClinVar:

ClinVar aggregate classification (germline): Uncertain significance (1 of 4 stars; one submission).

Conditions:
Cyclical neutropenia. Also called: Cyclic Neutropenia; Cyclic hematopoiesis. Identifiers: Orphanet 2686, MedGen C0221023, MONDO:0008090, OMIM 162800, HP:0040289. Disease mechanism: loss of function.
Neutropenia, severe congenital, 1, autosomal dominant. Identifiers: MedGen C1859966, MONDO:0042490, OMIM 202700.

Submission:

Labcorp Genetics (formerly Invitae), Labcorp
Classification: Uncertain significance for Neutropenia, severe congenital, 1, autosomal dominant; Cyclical neutropenia. Last evaluated: 2025-03-19. Review status: criteria provided, single submitter. Criteria: Invitae Variant Classification Sherloc (09022015). Collection method: clinical testing. Allele origin: germline.
Comment: This sequence change falls in intron 1 of the ELANE gene. It does not directly change the encoded amino acid sequence of the ELANE protein. It affects a nucleotide within the consensus splice site. This variant is not present in population databases (gnomAD no frequency). This variant has not been reported in the literature in individuals affected with ELANE-related conditions. Variants that disrupt the consensus splice site are a relatively common cause of aberrant splicing (PMID: 17576681, 9536098). Algorithms developed to predict the effect of sequence changes on RNA splicing suggest that this variant may disrupt the consensus splice site. In summary, the available evidence is currently insufficient to determine the role of this variant in disease. Therefore, it has been classified as a Variant of Uncertain Significance.

Literature cited by the submitters: PubMed 17576681; PubMed 9536098.

NM_001972.4(ELANE):c.67+6T>G

Gene: ELANE (elastase, neutrophil expressed; plus strand). Cytogenetic location: 19p13.3.
Variant type: single nucleotide variant.
Coding change: c.67+6T>G on transcript NM_001972.4 (MANE Select); 6 bases into the intron after coding-DNA position 67, T replaced by G.
Molecular consequence: intron variant.
Genome position (GRCh38, 1-based): chr19:852,401, T>G. VCF-style: chr19-852401-T-G. GRCh37 (hg19) VCF-style: chr19-852401-T-G.
Identifiers: ClinVar variation 4793125 (VCV004793125.1).